The following is an entry in ClinVar:

NM_018943.3(TUBA8):c.1250A>C (p.Glu417Ala)

Gene: TUBA8 (tubulin alpha 8; plus strand). Cytogenetic location: 22q11.21.
Variant type: single nucleotide variant.
Coding change: c.1250A>C on transcript NM_018943.3 (MANE Select); coding-DNA position 1250, A replaced by C.
Protein change: p.Glu417Ala; replaces glutamic acid 417 with alanine.
Molecular consequence: missense variant.
Genome position (GRCh38, 1-based): chr22:18,131,036, A>C. VCF-style: chr22-18131036-A-C. GRCh37 (hg19) VCF-style: chr22-18613803-A-C.
Other names: c.1052A>C, p.Glu351Ala (NM_001193414.2); short protein forms E417A, E351A.
Identifiers: ClinVar variation 197838 (VCV000197838.9), dbSNP rs765712220, ClinGen allele CA246200.

ClinVar aggregate classification (germline): Uncertain significance. Review status: criteria provided, multiple submitters, no conflicts (2 of 4 stars). 2 submissions from 2 submitters: Uncertain significance (2). Last evaluated 2025-06-02.

Allele frequency attached by ClinVar (database versions not stated): gnomAD exomes below 0.00001; ExAC 0.00001; gnomAD 0.00001 and 0.00002; TOPMed 0.00001.

Submissions (2):

Labcorp Genetics (formerly Invitae), Labcorp
Classification: Uncertain significance. Last evaluated: 2025-06-02. Review status: criteria provided, single submitter. Criteria: Invitae Variant Classification Sherloc (09022015). Collection method: clinical testing. Allele origin: germline.
Comment: This sequence change replaces glutamic acid, which is acidic and polar, with alanine, which is neutral and non-polar, at codon 417 of the TUBA8 protein (p.Glu417Ala). This variant is present in population databases (rs765712220, gnomAD 0.007%). This variant has not been reported in the literature in individuals affected with TUBA8-related conditions. ClinVar contains an entry for this variant (Variation ID: 197838). Invitae Evidence Modeling of protein sequence and biophysical properties (such as structural, functional, and spatial information, amino acid conservation, physicochemical variation, residue mobility, and thermodynamic stability) indicates that this missense variant is expected to disrupt TUBA8 protein function with a positive predictive value of 80%. In summary, the available evidence is currently insufficient to determine the role of this variant in disease. Therefore, it has been classified as a Variant of Uncertain Significance.

Eurofins Ntd Llc (ga)
Classification: Uncertain significance. Last evaluated: 2015-04-10. Review status: criteria provided, single submitter. Criteria: EGL Classification Definitions 2015. Collection method: clinical testing. Allele origin: germline. Observed: 1 variant allele, 1 heterozygote.